The following is an entry in ClinVar:

NM_001040142.2(SCN2A):c.2149+5G>A

Gene: SCN2A (sodium voltage-gated channel alpha subunit 2; plus strand). Cytogenetic location: 2q24.3.
Variant type: single nucleotide variant.
Coding change: c.2149+5G>A on transcript NM_001040142.2 (MANE Select); 5 bases into the intron after coding-DNA position 2149, G replaced by A.
Molecular consequence: intron variant.
Genome position (GRCh38, 1-based): chr2:165,326,989, G>A. VCF-style: chr2-165326989-G-A. GRCh37 (hg19) VCF-style: chr2-166183499-G-A.
Other names: c.2149+5G>A (NM_001040143.2, NM_001371246.1, NM_001371247.1 and 1 more transcripts).
Identifiers: ClinVar variation 207073 (VCV000207073.8), dbSNP rs773024189, ClinGen allele CA318171.

ClinVar aggregate classification (germline): Uncertain significance. Review status: criteria provided, multiple submitters, no conflicts (2 of 4 stars). 2 submissions from 2 submitters: Uncertain significance (2). Last evaluated 2023-07-07.

Conditions:
Seizures, benign familial infantile, 3 (BFIS3). Also called: CONVULSIONS, BENIGN FAMILIAL INFANTILE, 3; Familial neonatal seizures. Identifiers: Orphanet 140927, Orphanet 306, MedGen C1843140, MONDO:0011904, OMIM 607745.
Developmental and epileptic encephalopathy, 11 (DEE11). Also called: Early infantile epileptic encephalopathy 11. Identifiers: Orphanet 1934, MedGen C3150987, MONDO:0013388, OMIM 613721.

Allele frequency attached by ClinVar (database versions not stated): gnomAD exomes below 0.00001; ExAC 0.00001.

Submissions (3):

Labcorp Genetics (formerly Invitae), Labcorp
Classification: Uncertain significance for Seizures, benign familial infantile, 3; Developmental and epileptic encephalopathy, 11. Last evaluated: 2023-07-07. Review status: criteria provided, single submitter. Criteria: Invitae Variant Classification Sherloc (09022015). Collection method: clinical testing. Allele origin: germline.
Comment: This sequence change falls in intron 13 of the SCN2A gene. It does not directly change the encoded amino acid sequence of the SCN2A protein. It affects a nucleotide within the consensus splice site. This variant is not present in population databases (gnomAD no frequency). This variant has not been reported in the literature in individuals affected with SCN2A-related conditions. ClinVar contains an entry for this variant (Variation ID: 207073). Variants that disrupt the consensus splice site are a relatively common cause of aberrant splicing (PMID: 17576681, 9536098). Algorithms developed to predict the effect of sequence changes on RNA splicing suggest that this variant may disrupt the consensus splice site. In summary, the available evidence is currently insufficient to determine the role of this variant in disease. Therefore, it has been classified as a Variant of Uncertain Significance.

GeneDx
Classification: Uncertain significance. Last evaluated: 2020-02-14. Review status: criteria provided, single submitter. Criteria: GeneDx Variant Classification Process June 2021. Collection method: clinical testing. Allele origin: germline. Affected: yes.
Comment: Not observed at a significant frequency in large population cohorts (Lek et al., 2016); Has not been previously published as pathogenic or benign to our knowledge; In-silico analysis, which includes splice predictors and evolutionary conservation, is inconclusive as to whether the variant alters gene splicing. In the absence of RNA/functional studies, the actual effect of this sequence change is unknown.

Dr. Peter K. Rogan Lab, Western University
No classification provided (evidence only). Condition: Uterine corpus endometrial carcinoma. Review status: no classification provided. Collection method: in vitro. Allele origin: not applicable. Functional consequence: retained intron. Not counted in ClinVar's aggregate classification.

Literature cited by the submitters: PubMed 17576681 (cited by Labcorp Genetics (formerly Invitae), Labcorp); PubMed 9536098 (cited by Labcorp Genetics (formerly Invitae), Labcorp).